The following is an entry in ClinVar:

NM_000214.3(JAG1):c.784T>G (p.Cys262Gly)

Gene: JAG1 (jagged canonical Notch ligand 1; minus strand). Cytogenetic location: 20p12.2.
Variant type: single nucleotide variant.
Coding change: c.784T>G on transcript NM_000214.3 (MANE Select); coding-DNA position 784, T replaced by G.
Protein change: p.Cys262Gly; replaces cysteine 262 with glycine.
Molecular consequence: missense variant.
Genome position (GRCh38, 1-based): chr20:10,652,570, A>C on the plus strand (T>G on the coding strand, the complement: JAG1 is on the minus strand). VCF-style: chr20-10652570-A-C. GRCh37 (hg19) VCF-style: chr20-10633218-A-C.
Other names: short protein forms C262G.
Identifiers: ClinVar variation 3573373 (VCV003573373.2).
Genomic context (GRCh38, chr20:10,652,570, plus strand): 5'-ACTGCCAGGGCTCATTACAGATGCCGTGGACGCATCCCGGGTGTGGGATGCACTTATCAC[A>C]GTACAGGCCTTGCCAGCCGTACTGGCACCTGGAGACACACAGCACACCTCCAGGTTAGCC-3'
Protein context (NP_000205.1, residues 252-272): RCQYGWQGLY[Cys262Gly]DKCIPHPGCV

Conditions:
Arteriohepatic dysplasia. Also called: Alagille Syndrome. Identifiers: Orphanet 52, MedGen C0085280, MeSH D016738, MONDO:0007318.

Submission:

Gilbert/Spinner Lab, Children's Hospital of Philadelphia
No classification provided (evidence only). Condition: Alagille syndrome. Review status: no classification provided. Collection method: research. Allele origin: not applicable. Functional consequence: functionally_abnormal.
ClinVar note: "not provided" was previously submitted as the classification for the variant. However, the classification appeared to be based only on an observation of functional data so it was converted to no classification on 2025-07-30.